The following is an entry in ClinVar:

ClinVar aggregate classification (germline): Uncertain significance. Review status: criteria provided, multiple submitters, no conflicts (2 of 4 stars). 7 submissions from 7 submitters: Uncertain significance (7). Last evaluated 2025-10-22.

Conditions:
Cardiovascular phenotype. Identifiers: MedGen CN230736.
Cardiomyopathy (CMYO). Also called: Cardiomyopathies. Identifiers: Orphanet 167848, MedGen C0878544, MONDO:0004994, HP:0001638. Inheritance: Various modes of inheritance.
Hypertrophic cardiomyopathy. Also called: HYPERTROPHIC MYOCARDIOPATHY. Identifiers: Orphanet 217569, MedGen C0007194, MeSH D002312, MONDO:0005045, HP:0001639.

Allele frequency attached by ClinVar (database versions not stated): gnomAD exomes below 0.00001 and 0.00001; gnomAD 0.00001; TOPMed 0.00001.
gnomAD v4.1: 7 of 1,598,858 alleles (0.00044%); highest among the groups gnomAD compares: Non-Finnish European, 0.0006%; no homozygotes.

Submissions (7):

Ambry Genetics
Classification: Uncertain significance for Cardiovascular phenotype. Last evaluated: 2025-10-22. Review status: criteria provided, single submitter. Criteria: Ambry Variant Classification Scheme 2023. Collection method: clinical testing. Allele origin: germline.
Comment: The p.T173A variant (also known as c.517A>G), located in coding exon 5 of the MYBPC3 gene, results from an A to G substitution at nucleotide position 517. The threonine at codon 173 is replaced by alanine, an amino acid with similar properties. This variant was reported in individual(s) with features consistent with hypertrophic cardiomyopathy (HCM) (Alejandra Restrepo-Cordoba M et al. J Cardiovasc Transl Res, 2017 Feb;10:35-46; Hathaway J et al. BMC Cardiovasc Disord, 2021 Mar;21:126). This amino acid position is not well conserved in available vertebrate species. In addition, this alteration is predicted to be tolerated by in silico analysis. Based on the available evidence, the clinical significance of this variant remains unclear.

Labcorp Genetics (formerly Invitae), Labcorp
Classification: Uncertain significance for Hypertrophic cardiomyopathy. Last evaluated: 2025-10-13. Review status: criteria provided, single submitter. Criteria: Invitae Variant Classification Sherloc (09022015). Collection method: clinical testing. Allele origin: germline.
Comment: This sequence change replaces threonine, which is neutral and polar, with alanine, which is neutral and non-polar, at codon 173 of the MYBPC3 protein (p.Thr173Ala). The frequency data for this variant in the population databases is considered unreliable, as metrics indicate poor data quality at this position in the gnomAD database. This missense change has been observed in individual(s) with hypertrophic cardiomyopathy and/or unspecified cardiomyopathy (PMID: 28138913, 33673806, 35653365). ClinVar contains an entry for this variant (Variation ID: 179848). An algorithm developed to predict the effect of missense changes on protein structure and function (PolyPhen-2) suggests that this variant is likely to be tolerated. In summary, the available evidence is currently insufficient to determine the role of this variant in disease. Therefore, it has been classified as a Variant of Uncertain Significance.

Molecular Diagnostic Laboratory for Inherited Cardiovascular Disease, Montreal Heart Institute
Classification: Uncertain significance for Cardiovascular phenotype. Last evaluated: 2025-04-09. Review status: criteria provided, single submitter. Criteria: ACMG Guidelines, 2015. Collection method: clinical testing. Allele origin: germline. Affected: yes.
Comment: PM2, BP4

All of Us Research Program, National Institutes of Health
Classification: Uncertain significance for Hypertrophic cardiomyopathy. Last evaluated: 2024-05-17. Review status: criteria provided, single submitter. Criteria: ACMG Guidelines, 2015. Collection method: clinical testing. Allele origin: germline. Inheritance: Autosomal dominant inheritance. Observed: 6 variant alleles, 6 heterozygotes.
Comment: This missense variant replaces threonine with alanine at codon 173 of the MYBPC3 protein. Computational prediction suggests that this variant may not impact protein structure and function (internally defined REVEL score threshold <= 0.5, PMID: 27666373). To our knowledge, functional studies have not been reported for this variant. This variant has been reported in an individual affected with hypertrophic cardiomyopathy (PMID: 28138913) and in an individual suspected to be affected with hypertrophic cardiomyopathy (PMID: 33673806). This variant has been identified in 1/224276 chromosomes in the general population by the Genome Aggregation Database (gnomAD). The available evidence is insufficient to determine the role of this variant in disease conclusively. Therefore, this variant is classified as a Variant of Uncertain Significance.

This study involves interpretation of variants in research participants for the purpose of population health screening. Participant phenotype was not available at the time of variant classification. Additional details can be found in publication PMID: 35346344, PMCID: PMC8962531

Blueprint Genetics
Classification: Uncertain significance. Last evaluated: 2023-12-29. Review status: criteria provided, single submitter. Criteria: ACMG Guidelines, 2015. Collection method: clinical testing. Allele origin: germline.

Color Diagnostics, LLC DBA Color Health
Classification: Uncertain significance for Cardiomyopathy. Last evaluated: 2023-05-12. Review status: criteria provided, single submitter. Criteria: ACMG Guidelines, 2015. Collection method: clinical testing. Allele origin: germline.
Comment: This missense variant replaces threonine with alanine at codon 173 of the MYBPC3 protein. Computational prediction suggests that this variant may not impact protein structure and function (internally defined REVEL score threshold <= 0.5, PMID: 27666373). To our knowledge, functional studies have not been reported for this variant. This variant has been reported in an individual affected with hypertrophic cardiomyopathy (PMID: 28138913) and in an individual suspected to be affected with hypertrophic cardiomyopathy (PMID: 33673806). This variant has been identified in 1/224276 chromosomes in the general population by the Genome Aggregation Database (gnomAD). The available evidence is insufficient to determine the role of this variant in disease conclusively. Therefore, this variant is classified as a Variant of Uncertain Significance.

Laboratory for Molecular Medicine, Mass General Brigham Personalized Medicine
Classification: Uncertain significance. Last evaluated: 2019-12-11. Review status: criteria provided, single submitter. Criteria: LMM Criteria. Collection method: clinical testing. Allele origin: germline. Observed: 1 variant allele.
Comment: proposed classification - variant undergoing re-assessment, contact laboratory

Literature cited by the submitters: PubMed 28138913 (cited by 5 submitters); PubMed 33673806 (cited by 4 submitters); PubMed 35653365 (cited by Labcorp Genetics (formerly Invitae), Labcorp); PubMed 21310275 (cited by Laboratory for Molecular Medicine, Mass General Brigham Personalized Medicine).

NM_000256.3(MYBPC3):c.517A>G (p.Thr173Ala)

Gene: MYBPC3 (myosin binding protein C3; minus strand). Cytogenetic location: 11p11.2.
Variant type: single nucleotide variant.
Coding change: c.517A>G on transcript NM_000256.3 (MANE Select); coding-DNA position 517, A replaced by G.
Protein change: p.Thr173Ala; replaces threonine 173 with alanine.
Molecular consequence: missense variant.
Genome position (GRCh38, 1-based): chr11:47,349,911, T>C on the plus strand (A>G on the coding strand, the complement: MYBPC3 is on the minus strand). VCF-style: chr11-47349911-T-C. GRCh37 (hg19) VCF-style: chr11-47371462-T-C.
Other names: short protein forms T173A.
Identifiers: ClinVar variation 179848 (VCV000179848.17), dbSNP rs727505168, ClinGen allele CA015368.